The following is an entry in ClinVar:

ClinVar aggregate classification (germline): Pathogenic (1 of 4 stars; one submission).

Conditions:
Hereditary breast ovarian cancer syndrome. Also called: Hereditary breast and ovarian cancer; Breast and ovarian cancer; BRCA1- and BRCA2-Associated Hereditary Breast and Ovarian Cancer; Hereditary breast and/or ovarian cancer syndrome; Hereditary breast and ovarian cancer syndrome; Hereditary breast and ovarian cancer syndrome (HBOC). Identifiers: Orphanet 145, MedGen C0677776, MeSH D061325, MONDO:0003582. Disease mechanism: loss of function.

Submission:

Labcorp Genetics (formerly Invitae), Labcorp
Classification: Pathogenic for Hereditary breast ovarian cancer syndrome. Last evaluated: 2018-04-17. Review status: criteria provided, single submitter. Criteria: Invitae Variant Classification Sherloc (09022015). Collection method: clinical testing. Allele origin: germline.
Comment: This sequence change is a large insertion likely meditated by a transposable element in exon 11 of the BRCA2 mRNA (c.5396_5397ins(?)), causing a frameshift at codon 1800 (p.Tyr1800fs). The exact size and sequence of the insertion cannot be determined by the current assay. However, the insertion is expected to result in an absent or disrupted protein product. For these reasons, this variant has been classified as Pathogenic. This variant has not been reported in the literature in individuals with BRCA2-related disease. Retrotransposon insertions including LINE1 (L1), Alu, and SVA (SINE-VNTR-Alu) have been reported to be disease-causing through disruption of either a coding region or splice site (PMID: 19763152, 20307669, 22406018), and loss-of-function variants in BRCA2 are known to be pathogenic (PMID: 20104584).

Literature cited by the submitters: PubMed 19763152; PubMed 20307669; PubMed 22406018; PubMed 20104584.

NM_000059.4(BRCA2):c.5396_5397insTTCCCTCTCCCTCTCCCTCTCCCTCTCCCTCTCCCTCTCTCCACGGTCTCCTTCCACGGTCTCCCTCTGATGCCGAGCCAAAGCTGGACGGTACTNNNNNNNNAAAAAAAAAAAAAAAAAAAAAAAAAAAAAA (p.Ala1799_Tyr1800insSerLeuSerLeuSerLeuSerLeuSerLeuSerLeuSerProArgSerProSerThrValSerLeuTer)

Gene: BRCA2 (BRCA2 DNA repair associated; plus strand). Cytogenetic location: 13q13.1.
Variant type: Insertion.
Coding change: c.5396_5397insTTCCCTCTCCCTCTCCCTCTCCCTCTCCCTCTCCCTCTCTCCACGGTCTCCTTCCACGGTCTCCCTCTGATGCCGAGCCAAAGCTGGACGGTACTNNNNNNNNAAAAAAAAAAAAAAAAAAAAAAAAAAAAAA on transcript NM_000059.4 (MANE Select); coding-DNA positions 5396 to 5397, TTCCCTCTCCCTCTCCCTCTCCCTCTCCCTCTCCCTCTCTCCACGGTCTCCTTCCACGGTCTCCCTCTGATGCCGAGCCAAAGCTGGACGGTACTNNNNNNNNAAAAAAAAAAAAAAAAAAAAAAAAAAAAAA inserted.
Protein change: p.Ala1799_Tyr1800insSerLeuSerLeuSerLeuSerLeuSerLeuSerLeuSerProArgSerProSerThrValSerLeuTer.
Molecular consequence: nonsense, inframe insertion.
Genome position: GRCh38: chr13:32,339,751-32,339,752. GRCh37 (hg19): chr13:32,913,888-32,913,889.
Identifiers: ClinVar variation 1075928 (VCV001075928.9), dbSNP rs2137517119.